The following is an entry in ClinVar:

NM_000069.3(CACNA1S):c.3454A>G (p.Ile1152Val)

Gene: CACNA1S (calcium voltage-gated channel subunit alpha1 S; minus strand). Cytogenetic location: 1q32.1.
Variant type: single nucleotide variant.
Coding change: c.3454A>G on transcript NM_000069.3 (MANE Select); coding-DNA position 3454, A replaced by G.
Protein change: p.Ile1152Val; replaces isoleucine 1152 with valine.
Molecular consequence: missense variant.
Genome position (GRCh38, 1-based): chr1:201,059,260, T>C on the plus strand (A>G on the coding strand, the complement: CACNA1S is on the minus strand). VCF-style: chr1-201059260-T-C. GRCh37 (hg19) VCF-style: chr1-201028388-T-C.
Other names: c.3454A>G (NM_000069.2); short protein forms I1152V.
Identifiers: ClinVar variation 1011416 (VCV001011416.13), dbSNP rs142286187, ClinGen allele CA082561.

ClinVar aggregate classification (germline): Conflicting classifications of pathogenicity. Review status: criteria provided, conflicting classifications (1 of 4 stars). 5 submissions from 5 submitters: Uncertain significance (4); Likely benign (1). Last evaluated 2026-02-03.

Conditions:
Inborn genetic diseases. Identifiers: MedGen C0950123, MeSH D030342.
Hypokalemic periodic paralysis, type 1. Also called: HypoPP; Hypokalemic Periodic Paralysis Type 1 (AD). Identifiers: Orphanet 681, MedGen C3714580, MONDO:0042979, OMIM 170400.
Thyrotoxic periodic paralysis, susceptibility to, 1 (TTPP1). Identifiers: Orphanet 79102, MedGen C2749982, MONDO:0008570, OMIM 188580.
Malignant hyperthermia, susceptibility to, 5 (MHS5). Also called: CACNA1S-Related Malignant Hyperthermia Susceptibility. Identifiers: Orphanet 423, MedGen C1866077, MONDO:0011163, OMIM 601887.

Allele frequency attached by ClinVar (database versions not stated): gnomAD exomes 0.00002 and 0.00004; ExAC 0.00003; gnomAD 0.00007; TOPMed 0.00013; ESP Exome Variant Server 0.00031.
gnomAD v4.1: 65 of 1,613,866 alleles (0.004%); highest among the groups gnomAD compares: African/African-American, 0.008%; no homozygotes.

Submissions (5):

Labcorp Genetics (formerly Invitae), Labcorp
Classification: Likely benign for Hypokalemic periodic paralysis, type 1; Malignant hyperthermia, susceptibility to, 5. Last evaluated: 2026-02-03. Review status: criteria provided, single submitter. Criteria: Invitae Variant Classification Sherloc (09022015). Collection method: clinical testing. Allele origin: germline.

GeneDx
Classification: Uncertain significance. Last evaluated: 2024-05-08. Review status: criteria provided, single submitter. Criteria: GeneDx Variant Classification Process June 2021. Collection method: clinical testing. Allele origin: germline. Affected: yes.
Comment: In silico analysis indicates that this missense variant does not alter protein structure/function; Has not been previously published as pathogenic or benign to our knowledge

Ambry Genetics
Classification: Uncertain significance for Inborn genetic diseases. Last evaluated: 2024-03-25. Review status: criteria provided, single submitter. Criteria: Ambry Variant Classification Scheme 2023. Collection method: clinical testing. Allele origin: germline.

Color Diagnostics, LLC DBA Color Health
Classification: Uncertain significance for Malignant hyperthermia, susceptibility to, 5. Last evaluated: 2024-03-06. Review status: criteria provided, single submitter. Criteria: ACMG Guidelines, 2015. Collection method: clinical testing. Allele origin: germline.
Comment: This missense variant replaces isoleucine with valine at codon 1152 of the CACNA1S protein. Computational prediction suggests that this variant may not impact protein structure and function. To our knowledge, functional studies have not been reported for this variant. This variant has not been reported in individuals affected with CACNA1S-related disorders in the literature. This variant has been identified in 7/282840 chromosomes in the general population by the Genome Aggregation Database (gnomAD). The available evidence is insufficient to determine the role of this variant in disease conclusively. Therefore, this variant is classified as a Variant of Uncertain Significance.

Fulgent Genetics
Classification: Uncertain significance for Hypokalemic periodic paralysis, type 1; Thyrotoxic periodic paralysis, susceptibility to, 1; Malignant hyperthermia, susceptibility to, 5. Last evaluated: 2022-05-02. Review status: criteria provided, single submitter. Criteria: ACMG Guidelines, 2015. Collection method: clinical testing. Allele origin: unknown.